The following is an entry in ClinVar:

NM_006236.3(POU3F3):c.1269C>A (p.Ser423Arg)

Gene: POU3F3 (POU class 3 homeobox 3; plus strand). Cytogenetic location: 2q12.1.
Variant type: single nucleotide variant.
Coding change: c.1269C>A on transcript NM_006236.3 (MANE Select); coding-DNA position 1269, C replaced by A.
Protein change: p.Ser423Arg; replaces serine 423 with arginine.
Molecular consequence: missense variant.
Genome position (GRCh38, 1-based): chr2:104,856,779, C>A. VCF-style: chr2-104856779-C-A. GRCh37 (hg19) VCF-style: chr2-105473237-C-A.
Other names: short protein forms S423R.
Identifiers: ClinVar variation 2428991 (VCV002428991.3), dbSNP rs756997559, ClinGen allele CA348098584.

ClinVar aggregate classification (germline): Uncertain significance (1 of 4 stars; one submission).

Submission:

GeneDx
Classification: Uncertain significance. Last evaluated: 2022-08-01. Review status: criteria provided, single submitter. Criteria: GeneDx Variant Classification Process June 2021. Collection method: clinical testing. Allele origin: germline. Affected: yes.
Comment: Not observed at significant frequency in large population cohorts (gnomAD); In silico analysis supports that this missense variant has a deleterious effect on protein structure/function; Has not been previously published as pathogenic or benign to our knowledge